The following is an entry in ClinVar:

ClinVar aggregate classification (germline): Uncertain significance. Review status: criteria provided, multiple submitters, no conflicts (2 of 4 stars). 2 submissions from 2 submitters: Uncertain significance (2). Last evaluated 2023-08-10.

Allele frequency attached by ClinVar (database versions not stated): gnomAD exomes below 0.00001.
gnomAD v4.1: 1 of 1,613,994 alleles (0.000062%); highest among the groups gnomAD compares: Non-Finnish European, 0.000085%; no homozygotes.

Submissions (2):

Labcorp Genetics (formerly Invitae), Labcorp
Classification: Uncertain significance. Last evaluated: 2023-08-10. Review status: criteria provided, single submitter. Criteria: Invitae Variant Classification Sherloc (09022015). Collection method: clinical testing. Allele origin: germline.
Comment: This sequence change replaces glycine, which is neutral and non-polar, with alanine, which is neutral and non-polar, at codon 285 of the MYH9 protein (p.Gly285Ala). This variant is not present in population databases (gnomAD no frequency). This variant has not been reported in the literature in individuals affected with MYH9-related conditions. ClinVar contains an entry for this variant (Variation ID: 1305632). Advanced modeling of protein sequence and biophysical properties (such as structural, functional, and spatial information, amino acid conservation, physicochemical variation, residue mobility, and thermodynamic stability) performed at Invitae indicates that this missense variant is not expected to disrupt MYH9 protein function. In summary, the available evidence is currently insufficient to determine the role of this variant in disease. Therefore, it has been classified as a Variant of Uncertain Significance.

GeneDx
Classification: Uncertain significance. Last evaluated: 2019-04-29. Review status: criteria provided, single submitter. Criteria: GeneDx Variant Classification Process June 2021. Collection method: clinical testing. Allele origin: germline. Affected: yes.
Comment: Not observed in large population cohorts (Lek et al., 2016); In silico analysis, which includes protein predictors and evolutionary conservation, supports that this variant does not alter protein structure/function; Has not been previously published as pathogenic or benign to our knowledge

NM_002473.6(MYH9):c.854G>C (p.Gly285Ala)

Gene: MYH9 (myosin heavy chain 9; minus strand). Cytogenetic location: 22q12.3.
Variant type: single nucleotide variant.
Coding change: c.854G>C on transcript NM_002473.6 (MANE Select); coding-DNA position 854, G replaced by C.
Protein change: p.Gly285Ala; replaces glycine 285 with alanine.
Molecular consequence: missense variant.
Genome position (GRCh38, 1-based): chr22:36,320,812, C>G on the plus strand (G>C on the coding strand, the complement: MYH9 is on the minus strand). VCF-style: chr22-36320812-C-G. GRCh37 (hg19) VCF-style: chr22-36716857-C-G.
Other names: short protein forms G285A.
Identifiers: ClinVar variation 1305632 (VCV001305632.8), dbSNP rs1188816913, ClinGen allele CA411405446.